The following is an entry in ClinVar:

ClinVar aggregate classification (germline): Benign/Likely benign. Review status: criteria provided, multiple submitters, no conflicts (2 of 4 stars). 4 submissions from 4 submitters: Benign (2); Likely benign (2). Last evaluated 2024-10-18.

Conditions:
Inborn genetic diseases. Identifiers: MedGen C0950123, MeSH D030342.
Intellectual developmental disorder, X-linked 1. Also called: Intellectual disability, X-linked 1; MENTAL RETARDATION, X-LINKED 18; MENTAL RETARDATION, X-LINKED 78; Atkin Flaitz Patil Smith syndrome. Identifiers: Orphanet 777, MedGen C2931498, MONDO:0010656, OMIM 309530.

Allele frequency attached by ClinVar (database versions not stated): gnomAD 0.00002; gnomAD exomes 0.00005 and 0.00003; TOPMed 0.00003; ExAC 0.00006.
gnomAD v4.1: 41 of 1,210,056 alleles (0.0034%); highest among the groups gnomAD compares: Non-Finnish European, 0.0026%; no homozygotes.

Submissions (4):

Labcorp Genetics (formerly Invitae), Labcorp
Classification: Benign for Intellectual developmental disorder, X-linked 1. Last evaluated: 2024-10-18. Review status: criteria provided, single submitter. Criteria: Invitae Variant Classification Sherloc (09022015). Collection method: clinical testing. Allele origin: germline.

CeGaT Center for Human Genetics Tuebingen
Classification: Likely benign. Last evaluated: 2023-04-01. Review status: criteria provided, single submitter. Criteria: CeGaT Center For Human Genetics Tuebingen Variant Classification Criteria Version 2. Collection method: clinical testing. Allele origin: germline. Affected: yes. Observed: 2 variant alleles.
Comment: IQSEC2: PP2, BS2

GeneDx
Classification: Benign. Last evaluated: 2021-07-20. Review status: criteria provided, single submitter. Criteria: GeneDx Variant Classification Process June 2021. Collection method: clinical testing. Allele origin: germline. Affected: yes.

Ambry Genetics
Classification: Likely benign for Inborn genetic diseases. Last evaluated: 2018-09-21. Review status: criteria provided, single submitter. Criteria: Ambry Variant Classification Scheme 2023. Collection method: clinical testing. Allele origin: germline.

NM_001111125.3(IQSEC2):c.1498G>C (p.Glu500Gln)

Gene: IQSEC2 (IQ motif and Sec7 domain ArfGEF 2; minus strand). Cytogenetic location: Xp11.22.
Variant type: single nucleotide variant.
Coding change: c.1498G>C on transcript NM_001111125.3 (MANE Select); coding-DNA position 1498, G replaced by C.
Protein change: p.Glu500Gln; replaces glutamic acid 500 with glutamine.
Molecular consequence: missense variant.
Genome position (GRCh38, 1-based): chrX:53,251,078, C>G on the plus strand (G>C on the coding strand, the complement: IQSEC2 is on the minus strand). VCF-style: chrX-53251078-C-G. GRCh37 (hg19) VCF-style: chrX-53280260-C-G.
Other names: c.883G>C, p.Glu295Gln (NM_015075.2); short protein forms E295Q, E500Q.
Identifiers: ClinVar variation 1167227 (VCV001167227.47), dbSNP rs202076203, ClinGen allele CA10420046.
Genomic context (GRCh38, chrX:53,251,078, plus strand): 5'-GGTAGAGGGGAAGATCACTGAAGGATGTGGCTGAGCTGTCCTCTTGCTGTTCCTTTGACT[C>G]CCGCTTCTCCAGCTGGGCTGACCCTGGCTCCTCAGACATGGGCCCTGACGGGTGGCAGTT-3'
Protein context (NP_001104595.1, residues 490-510): EPGSAQLEKR[Glu500Gln]SKEQQEDSSA